The following is an entry in ClinVar:

NM_000038.6(APC):c.3944C>A (p.Ser1315Ter)

Gene: APC (APC regulator of Wnt signaling pathway; plus strand). Cytogenetic location: 5q22.2.
Variant type: single nucleotide variant.
Coding change: c.3944C>A on transcript NM_000038.6 (MANE Select); coding-DNA position 3944, C replaced by A.
Protein change: p.Ser1315Ter; replaces serine 1315 with a stop codon.
Molecular consequence: nonsense.
Genome position (GRCh38, 1-based): chr5:112,839,538, C>A. VCF-style: chr5-112839538-C-A. GRCh37 (hg19) VCF-style: chr5-112175235-C-A.
Other names: c.3944C>A, p.Ser1315Ter (NM_001127510.3, NM_001354895.2); c.3890C>A, p.Ser1297Ter (NM_001127511.3); c.3998C>A, p.Ser1333Ter (NM_001354896.2); c.3974C>A, p.Ser1325Ter (NM_001354897.2); c.3869C>A, p.Ser1290Ter (NM_001354898.2); c.3860C>A, p.Ser1287Ter (NM_001354899.2); c.3821C>A, p.Ser1274Ter (NM_001354900.2); c.3767C>A, p.Ser1256Ter (NM_001354901.2); and 5 more; short protein forms S1155*, S1189*, S1274*, S1290*, S1297*, S1325*, S1333*, S1214*.
Identifiers: ClinVar variation 958617 (VCV000958617.15), dbSNP rs1765564648, ClinGen allele CA16029984.

ClinVar aggregate classification (germline): Pathogenic. Review status: criteria provided, multiple submitters, no conflicts (2 of 4 stars). 2 submissions from 2 submitters: Pathogenic (2). Last evaluated 2026-02-17.
ClinVar aggregate classification (somatic clinical impact): Tier II - Potential (0 of 4 stars; one submission).
ClinVar aggregate classification (oncogenicity): Likely oncogenic (1 of 4 stars; one submission).

Conditions:
Familial adenomatous polyposis 1 (FAP1). Also called: FAMILIAL ADENOMATOUS POLYPOSIS 1, ATTENUATED; POLYPOSIS, ADENOMATOUS INTESTINAL. Identifiers: MedGen C2713442, MONDO:0021056, OMIM 175100. Disease mechanism: loss of function.
Colorectal cancer. Also called: Colorectal cancer, somatic; Malignant Colorectal Neoplasm. Identifiers: MedGen C0346629, MONDO:0005575, OMIM 114500.
Neoplasm. Also called: Neoplasms; Neoplasm (disease); tumor. Identifiers: MedGen C0027651, MeSH D009369, MONDO:0005070, HP:0002664.

Submissions (4):

Myriad Genetics, Inc.
Classification: Pathogenic for Familial adenomatous polyposis 1. Last evaluated: 2026-02-17. Review status: criteria provided, single submitter. Criteria: Myriad Autosomal Dominant, Autosomal Recessive and X-Linked Classification Criteria (2023). Collection method: clinical testing. Allele origin: unknown.
Comment: This variant is considered pathogenic. This variant creates a termination codon and is predicted to result in premature protein truncation.

Center for Genomic Medicine, Rigshospitalet, Copenhagen University Hospital
Classification: Likely oncogenic for Neoplasm. Last evaluated: 2025-03-04. Review status: criteria provided, single submitter. Criteria: ClinGen/CGC/VICC Guidelines for Oncogenicity, 2022. Collection method: clinical testing. Allele origin: somatic. Affected: yes.

Labcorp Genetics (formerly Invitae), Labcorp
Classification: Pathogenic for Familial adenomatous polyposis 1. Last evaluated: 2022-02-11. Review status: criteria provided, single submitter. Criteria: Invitae Variant Classification Sherloc (09022015). Collection method: clinical testing. Allele origin: germline.
Comment: For these reasons, this variant has been classified as Pathogenic. A different truncation (p.Tyr2645Lysfs*14) that lies downstream of this variant has been determined to be pathogenic (PMID: 9824584, 1316610, 27081525, 8381579, 22135120, Invitae). This suggests that deletion of this region of the APC protein is causative of disease. This variant is expected to disrupt the EB1 and HDLG binding sites, which mediate interactions with the cytoskeleton (PMID: 15311282, 17293347). While functional studies have not been performed to directly test the effect on APC protein function, this suggests that disruption of the C-terminal portion of the protein is functionally important. ClinVar contains an entry for this variant (Variation ID: 958617). This premature translational stop signal has been observed in individual(s) with clinical features of familial adenomatous polyposis (PMID: 20685668). This variant is not present in population databases (gnomAD no frequency). This sequence change creates a premature translational stop signal (p.Ser1315*) in the APC gene. While this is not anticipated to result in nonsense mediated decay, it is expected to disrupt the last 1529 amino acid(s) of the APC protein.

Department of Clinical Biochemistry, Naestved Hospital
Classification: Tier II - Potential for Colorectal cancer. Assertion type: prognostic. Clinical significance: better outcome. Last evaluated: 2024-10-10. Review status: no assertion criteria provided. Collection method: research. Allele origin: somatic.

Literature cited by the submitters: PubMed 34352208 (cited by Center for Genomic Medicine, Rigshospitalet, Copenhagen University Hospital); PubMed 18199528 (cited by Center for Genomic Medicine, Rigshospitalet, Copenhagen University Hospital); PubMed 10346819 (cited by Center for Genomic Medicine, Rigshospitalet, Copenhagen University Hospital); PubMed 9824584 (cited by Labcorp Genetics (formerly Invitae), Labcorp); PubMed 1316610 (cited by Labcorp Genetics (formerly Invitae), Labcorp); PubMed 27081525 (cited by Labcorp Genetics (formerly Invitae), Labcorp); PubMed 8381579 (cited by Labcorp Genetics (formerly Invitae), Labcorp); PubMed 22135120 (cited by Labcorp Genetics (formerly Invitae), Labcorp); PubMed 15311282 (cited by Labcorp Genetics (formerly Invitae), Labcorp); PubMed 17293347 (cited by Labcorp Genetics (formerly Invitae), Labcorp); PubMed 20685668 (cited by Labcorp Genetics (formerly Invitae), Labcorp).